The following is an entry in ClinVar:

ClinVar aggregate classification (germline): Uncertain significance (1 of 4 stars; one submission).

Submission:

Labcorp Genetics (formerly Invitae), Labcorp
Classification: Uncertain significance. Last evaluated: 2025-06-17. Review status: criteria provided, single submitter. Criteria: Invitae Variant Classification Sherloc (09022015). Collection method: clinical testing. Allele origin: germline.
Comment: This sequence change affects the initiator codon of the ARL3 mRNA. This change may impact translation initiation or efficiency. The next in-frame methionine is located at codon 170. This variant is not present in population databases (gnomAD no frequency). This variant has not been reported in the literature in individuals affected with ARL3-related conditions. Experimental studies and prediction algorithms are not available or were not evaluated, and the functional significance of this variant is currently unknown. In summary, the available evidence is currently insufficient to determine the role of this variant in disease. Therefore, it has been classified as a Variant of Uncertain Significance.

NM_004311.4(ARL3):c.2T>C (p.Met1Thr)

Gene: ARL3 (ARF like GTPase 3; minus strand). Cytogenetic location: 10q24.32.
Variant type: single nucleotide variant.
Coding change: c.2T>C on transcript NM_004311.4 (MANE Select); coding-DNA position 2, T replaced by C.
Protein change: p.Met1Thr; changes the start codon (methionine 1).
Molecular consequence: missense variant, initiator codon variant.
Genome position (GRCh38, 1-based): chr10:102,714,274, A>G on the plus strand (T>C on the coding strand, the complement: ARL3 is on the minus strand). VCF-style: chr10-102714274-A-G. GRCh37 (hg19) VCF-style: chr10-104474031-A-G.
Other names: short protein forms M1T.
Identifiers: ClinVar variation 4721240 (VCV004721240.1).
Genomic context (GRCh38, chr10:102,714,274, plus strand): 5'-CTGGGGACGGGAGGGGGATAACCGGCCGGCTCCAAGGGGGCCCAGGCCCCCACACTCACC[A>G]TCCTCCCGCCGAGTCCCTCCTCCTCCTCCTCCTCCTGCTGCCTCCCCCGTTACCAGGGGC-3'
Protein context (NP_004302.1, residues 1-11): [Met1Thr]GLLSILRKLK